The following is an entry in ClinVar:

ClinVar aggregate classification (germline): Uncertain significance (1 of 4 stars; one submission).

Conditions:
Dilated cardiomyopathy 1DD (CMD1DD). Identifiers: Orphanet 154, MedGen C2750995, MONDO:0013168, OMIM 613172.

gnomAD v4.1: 1 of 1,551,760 alleles (0.000064%); highest among the groups gnomAD compares: East Asian, 0.0024%; no homozygotes.

Submission:

OLLIN Analises Genomicas, OLLIN
Classification: Uncertain significance for Dilated cardiomyopathy 1DD. Last evaluated: 2026-08-06. Review status: criteria provided, single submitter. Criteria: ACMG Guidelines 2015 PMID 25741868. Collection method: clinical testing. Allele origin: germline. Inheritance: Autosomal dominant inheritance.
Comment: This missense variant, located in exon 2 (of 14), has been observed in gnomAD with an allele frequency of 0.000064%, but has not been reported in ClinVar or identified in the literature. In silico analysis is inconclusive regarding the impact of this variant. According to the currently available evidence, this variant has been classified as uncertain significance (PM2_P).

NM_001134363.3(RBM20):c.350C>T (p.Ala117Val)

Gene: RBM20 (RNA binding motif protein 20; plus strand). Cytogenetic location: 10q25.2.
Variant type: single nucleotide variant.
Coding change: c.350C>T on transcript NM_001134363.3 (MANE Select); coding-DNA position 350, C replaced by T.
Protein change: p.Ala117Val; replaces alanine 117 with valine.
Molecular consequence: missense variant.
Genome position (GRCh38, 1-based): chr10:110,780,959, C>T. VCF-style: chr10-110780959-C-T. GRCh37 (hg19) VCF-style: chr10-112540717-C-T.
Other names: short protein forms A117V.
Identifiers: ClinVar variation 5003142 (VCV005003142.1).